The following is an entry in ClinVar:

ClinVar aggregate classification (germline): Uncertain significance (1 of 4 stars; one submission).

Conditions:
Holoprosencephaly 5 (HPE5). Identifiers: Orphanet 2162, MedGen C1864827, MONDO:0012322, OMIM 609637.

Submission:

Labcorp Genetics (formerly Invitae), Labcorp
Classification: Uncertain significance for Holoprosencephaly 5. Last evaluated: 2018-08-03. Review status: criteria provided, single submitter. Criteria: Invitae Variant Classification Sherloc (09022015). Collection method: clinical testing. Allele origin: germline.
Comment: This sequence change replaces histidine with glutamine at codon 286 of the ZIC2 protein (p.His286Gln). The histidine residue is highly conserved and there is a small physicochemical difference between histidine and glutamine. This variant is not present in population databases (ExAC no frequency). This variant has been observed in at least one individual affected with holoprosencephaly (PMID: 19177455, 19955556). Algorithms developed to predict the effect of missense changes on protein structure and function are either unavailable or do not agree on the potential impact of this missense change (SIFT: "Deleterious"; PolyPhen-2: "Probably Damaging"; Align-GVGD: "Class C15"). In summary, the available evidence is currently insufficient to determine the role of this variant in disease. Therefore, it has been classified as a Variant of Uncertain Significance.

Literature cited by the submitters: PubMed 19177455; PubMed 19955556.

NM_007129.5(ZIC2):c.858C>G (p.His286Gln)

Gene: ZIC2 (Zic family zinc finger 2; plus strand). Cytogenetic location: 13q32.3.
Variant type: single nucleotide variant.
Coding change: c.858C>G on transcript NM_007129.5 (MANE Select); coding-DNA position 858, C replaced by G.
Protein change: p.His286Gln; replaces histidine 286 with glutamine.
Molecular consequence: missense variant.
Genome position (GRCh38, 1-based): chr13:99,982,922, C>G. VCF-style: chr13-99982922-C-G. GRCh37 (hg19) VCF-style: chr13-100635176-C-G.
Other names: short protein forms H286Q.
Identifiers: ClinVar variation 651840 (VCV000651840.8), dbSNP rs1325393230, ClinGen allele CA388638243.